The following is an entry in ClinVar:

ClinVar aggregate classification (germline): Uncertain significance (1 of 4 stars; one submission).

Conditions:
Malignant hyperthermia, susceptibility to, 1 (MHS1). Also called: Anesthesia related hyperthermia; Malignant hyperpyrexia; Fulminating hyperpyrexia; Pharmacogenic myopathy; RYR1-Related Malignant Hyperthermia Susceptibility; Malignant hyperthermia suceptibility 1. Identifiers: Orphanet 423, MedGen C2930980, MONDO:0007783, OMIM 145600.

Submission:

All of Us Research Program, National Institutes of Health
Classification: Uncertain significance for Malignant hyperthermia, susceptibility to, 1. Last evaluated: 2023-11-30. Review status: criteria provided, single submitter. Criteria: ACMG Guidelines, 2015. Collection method: clinical testing. Allele origin: germline. Inheritance: Autosomal dominant inheritance. Observed: 1 variant allele, 1 heterozygote.
Comment: This study involves interpretation of variants in research participants for the purpose of population health screening. Participant phenotype was not available at the time of variant classification. Additional details can be found in publication PMID: 35346344, PMCID: PMC8962531

NM_000540.3(RYR1):c.10401G>C (p.Met3467Ile)

Gene: RYR1 (ryanodine receptor 1; plus strand). Cytogenetic location: 19q13.2.
Variant type: single nucleotide variant.
Coding change: c.10401G>C on transcript NM_000540.3 (MANE Select); coding-DNA position 10401, G replaced by C.
Protein change: p.Met3467Ile; replaces methionine 3467 with isoleucine.
Molecular consequence: missense variant.
Genome position (GRCh38, 1-based): chr19:38,523,270, G>C. VCF-style: chr19-38523270-G-C. GRCh37 (hg19) VCF-style: chr19-39013910-G-C.
Other names: c.10401G>C, p.Met3467Ile (NM_001042723.2); short protein forms M3467I.
Identifiers: ClinVar variation 3073038 (VCV003073038.1), dbSNP rs1382953816, ClinGen allele CA405699776.